The following is an entry in ClinVar:

ClinVar aggregate classification (germline): Uncertain significance. Review status: criteria provided, multiple submitters, no conflicts (2 of 4 stars). 2 submissions from 2 submitters: Uncertain significance (2). Last evaluated 2024-03-14.

Conditions:
Intellectual developmental disorder, X-linked, syndromic, Turner type. Also called: Intellectual disability, X-linked syndromic, Turner type; X-linked intellectual disability, Turner type. Identifiers: Orphanet 3056, Orphanet 85328, MedGen C2678046, MONDO:0010407, OMIM 309590.

Allele frequency attached by ClinVar (database versions not stated): gnomAD exomes below 0.00001.
gnomAD v4.1: 1 of 1,210,937 alleles (0.000083%); highest among the groups gnomAD compares: Non-Finnish European, 0.00011%; no homozygotes.

Submissions (2):

GeneDx
Classification: Uncertain significance. Last evaluated: 2024-03-14. Review status: criteria provided, single submitter. Criteria: GeneDx Variant Classification Process June 2021. Collection method: clinical testing. Allele origin: germline. Affected: yes.
Comment: Not observed at significant frequency in large population cohorts (gnomAD); In silico analysis supports that this missense variant has a deleterious effect on protein structure/function; Has not been previously published as pathogenic or benign to our knowledge

Molecular Genetics Lab, CHRU Brest
Classification: Uncertain significance for Intellectual developmental disorder, X-linked, syndromic, Turner type. Review status: criteria provided, single submitter. Criteria: ACMG Guidelines, 2015. Collection method: clinical testing. Allele origin: unknown. Affected: yes.

NM_031407.7(HUWE1):c.5339G>A (p.Arg1780His)

Gene: HUWE1 (HECT, UBA and WWE domain containing E3 ubiquitin protein ligase 1; minus strand). Cytogenetic location: Xp11.22.
Variant type: single nucleotide variant.
Coding change: c.5339G>A on transcript NM_031407.7 (MANE Select); coding-DNA position 5339, G replaced by A.
Protein change: p.Arg1780His; replaces arginine 1780 with histidine.
Molecular consequence: missense variant.
Genome position (GRCh38, 1-based): chrX:53,583,739, C>T on the plus strand (G>A on the coding strand, the complement: HUWE1 is on the minus strand). VCF-style: chrX-53583739-C-T. GRCh37 (hg19) VCF-style: chrX-53610699-C-T.
Other names: c.5339G>A (NM_031407.4); short protein forms R1780H.
Identifiers: ClinVar variation 3024336 (VCV003024336.2), dbSNP rs1332120966, ClinGen allele CA413173823.